The following is an entry in ClinVar:

ClinVar aggregate classification (germline): Uncertain significance. Review status: criteria provided, multiple submitters, no conflicts (2 of 4 stars). 3 submissions from 3 submitters: Uncertain significance (3). Last evaluated 2025-07-13.

Conditions:
Birt-Hogg-Dube syndrome. Also called: Birt Hogg Dubé syndrome. Identifiers: Orphanet 122, MedGen C0346010, MONDO:0800444.
Hereditary cancer-predisposing syndrome. Also called: Neoplastic Syndromes, Hereditary; Hereditary Cancer Syndrome; Hereditary neoplastic syndrome; Tumor predisposition. Identifiers: Orphanet 140162, MedGen C0027672, MeSH D009386, MONDO:0015356.

Allele frequency attached by ClinVar (database versions not stated): gnomAD exomes below 0.00001.
gnomAD v4.1: 9 of 1,614,004 alleles (0.00056%); highest among the groups gnomAD compares: Non-Finnish European, 0.00059%; no homozygotes.

Submissions (3):

Labcorp Genetics (formerly Invitae), Labcorp
Classification: Uncertain significance for Birt-Hogg-Dube syndrome. Last evaluated: 2025-07-13. Review status: criteria provided, single submitter. Criteria: Invitae Variant Classification Sherloc (09022015). Collection method: clinical testing. Allele origin: germline.
Comment: This sequence change affects codon 132 of the FLCN mRNA. It is a 'silent' change, meaning that it does not change the encoded amino acid sequence of the FLCN protein. This variant also falls at the last nucleotide of exon 5, which is part of the consensus splice site for this exon. This variant is not present in population databases (gnomAD no frequency). This variant has not been reported in the literature in individuals affected with FLCN-related conditions. ClinVar contains an entry for this variant (Variation ID: 824443). Variants that disrupt the consensus splice site are a relatively common cause of aberrant splicing (PMID: 17576681, 9536098). Studies have shown that this variant is associated with inconclusive levels of altered splicing (internal data). In summary, the available evidence is currently insufficient to determine the role of this variant in disease. Therefore, it has been classified as a Variant of Uncertain Significance.

Ambry Genetics
Classification: Uncertain significance for Hereditary cancer-predisposing syndrome. Last evaluated: 2024-09-25. Review status: criteria provided, single submitter. Criteria: Ambry Variant Classification Scheme 2023. Collection method: clinical testing. Allele origin: germline.
Comment: The c.396G>A variant (also known as p.E132E), located in coding exon 2 of the FLCN gene, results from a G to A substitution at nucleotide position 396. This nucleotide substitution does not change the amino acid at codon 132. However, this change occurs in the last base pair of coding exon 2, which makes it likely to have some effect on normal mRNA splicing. This nucleotide position is highly conserved in available vertebrate species. In silico splice site analysis for this alteration is inconclusive, and direct evidence is insufficient at this time (Ambry internal data). Since supporting evidence is limited at this time, the clinical significance of this alteration remains unclear.

GeneDx
Classification: Uncertain significance. Last evaluated: 2023-11-13. Review status: criteria provided, single submitter. Criteria: GeneDx Variant Classification Process June 2021. Collection method: clinical testing. Allele origin: germline. Affected: yes.
Comment: Not observed at significant frequency in large population cohorts (gnomAD); In silico analysis supports that this variant does not alter splicing; Has not been previously published as pathogenic or benign to our knowledge

Literature cited by the submitters: PubMed 17576681 (cited by Labcorp Genetics (formerly Invitae), Labcorp); PubMed 9536098 (cited by Labcorp Genetics (formerly Invitae), Labcorp).

NM_144997.7(FLCN):c.396G>A (p.Glu132=)

Gene: FLCN (folliculin; minus strand). Cytogenetic location: 17p11.2.
Variant type: single nucleotide variant.
Coding change: c.396G>A on transcript NM_144997.7 (MANE Select); coding-DNA position 396, G replaced by A.
Protein change: p.Glu132=; no amino-acid change (glutamic acid 132 retained).
Molecular consequence: synonymous variant.
Genome position (GRCh38, 1-based): chr17:17,226,176, C>T on the plus strand (G>A on the coding strand, the complement: FLCN is on the minus strand). VCF-style: chr17-17226176-C-T. GRCh37 (hg19) VCF-style: chr17-17129490-C-T.
Other names: c.396G>A, p.Glu132= (NM_001353229.2, NM_001353230.2, NM_001353231.2 and 1 more transcripts).
Identifiers: ClinVar variation 824443 (VCV000824443.12), dbSNP rs1597612647, ClinGen allele CA498167644.
Genomic context (GRCh38, chr17:17,226,176, plus strand): 5'-CAGAGCACCTGGGAGCATGTGGGCTCCCACAGAGACAGGCTCTGTGGCCACAAGGCTCAC[C>T]TCACAGCTCAGGCTCCGGACACAGGCCTGGCGGACAATGCTGAAGAGCTGGGGGTGGCTG-3'
Protein context (NP_659434.2, residues 122-142): RQACVRSLSC[Glu132=]VCPGREGPIF